The following is an entry in ClinVar:

ClinVar aggregate classification (germline): Conflicting classifications of pathogenicity. Review status: criteria provided, conflicting classifications (1 of 4 stars). 2 submissions from 2 submitters: Uncertain significance (1); Likely benign (1). Last evaluated 2025-06-03.

Conditions:
TRPV4-related disorder. Also called: TRPV4-related condition; TRPV4-related disorders.
Inborn genetic diseases. Identifiers: MedGen C0950123, MeSH D030342.

Allele frequency attached by ClinVar (database versions not stated): gnomAD exomes below 0.00001; TOPMed 0.00001; gnomAD 0.00003; ExAC 0.00004; ESP Exome Variant Server 0.00015; 1000 Genomes Project 30x 0.00016; 1000 Genomes Project 0.00020.
gnomAD v4.1: 5 of 1,612,570 alleles (0.00031%); highest among the groups gnomAD compares: African/African-American, 0.0053%; no homozygotes.

Submissions (2):

PreventionGenetics, part of Exact Sciences
Classification: Uncertain significance for TRPV4-related condition. Last evaluated: 2025-06-03. Review status: criteria provided, single submitter. Criteria: ACMG Guidelines, 2015. Collection method: clinical testing. Allele origin: germline.
Comment: The TRPV4 c.1132G>C variant is predicted to result in the amino acid substitution p.Ala378Pro. To our knowledge, this variant has not been reported in the literature. This variant is reported in 0.016% of alleles in individuals of African descent in gnomAD. At this time, the clinical significance of this variant is uncertain due to the absence of conclusive functional and genetic evidence.

Ambry Genetics
Classification: Likely benign for Inborn genetic diseases. Last evaluated: 2019-12-17. Review status: criteria provided, single submitter. Criteria: Ambry Variant Classification Scheme 2023. Collection method: clinical testing. Allele origin: germline.

NM_021625.5(TRPV4):c.1132G>C (p.Ala378Pro)

Gene: TRPV4 (transient receptor potential cation channel subfamily V member 4; minus strand). Cytogenetic location: 12q24.11.
Variant type: single nucleotide variant.
Coding change: c.1132G>C on transcript NM_021625.5 (MANE Select); coding-DNA position 1132, G replaced by C.
Protein change: p.Ala378Pro; replaces alanine 378 with proline.
Molecular consequence: missense variant.
Genome position (GRCh38, 1-based): chr12:109,798,634, C>G on the plus strand (G>C on the coding strand, the complement: TRPV4 is on the minus strand). VCF-style: chr12-109798634-C-G. GRCh37 (hg19) VCF-style: chr12-110236439-C-G.
Other names: c.991G>C, p.Ala331Pro (NM_001177428.2, NM_001177433.2); c.1030G>C, p.Ala344Pro (NM_001177431.2); c.1132G>C, p.Ala378Pro (NM_147204.3); short protein forms A331P, A344P, A378P.
Identifiers: ClinVar variation 1728889 (VCV001728889.3), dbSNP rs149548366, ClinGen allele CA6780344.